The following is an entry in ClinVar:

ClinVar aggregate classification (germline): Uncertain significance (1 of 4 stars; one submission).

Conditions:
Mitochondrial trifunctional protein deficiency. Identifiers: Orphanet 746, MedGen C1969443, MONDO:0012172.
Long chain 3-hydroxyacyl-CoA dehydrogenase deficiency. Also called: Deficiency of long-chain 3-hydroxyacyl-coenzyme A dehydrogenase; LCHAD Deficiency. Identifiers: Orphanet 5, MedGen C3711645, MONDO:0012173, OMIM 609016.

gnomAD v4.1: 2 of 1,614,162 alleles (0.00012%); highest among the groups gnomAD compares: Admixed American, 0.0017%; no homozygotes.

Submission:

Labcorp Genetics (formerly Invitae), Labcorp
Classification: Uncertain significance for Mitochondrial trifunctional protein deficiency; Long chain 3-hydroxyacyl-CoA dehydrogenase deficiency. Last evaluated: 2023-06-10. Review status: criteria provided, single submitter. Criteria: Invitae Variant Classification Sherloc (09022015). Collection method: clinical testing. Allele origin: germline.
Comment: In summary, the available evidence is currently insufficient to determine the role of this variant in disease. Therefore, it has been classified as a Variant of Uncertain Significance. Algorithms developed to predict the effect of sequence changes on RNA splicing suggest that this variant may create or strengthen a splice site. This variant has not been reported in the literature in individuals affected with HADHA-related conditions. This variant is present in population databases (no rsID available, gnomAD 0.003%). This sequence change falls in intron 19 of the HADHA gene. It does not directly change the encoded amino acid sequence of the HADHA protein.

NM_000182.5(HADHA):c.2146+19G>C

Genes: HADHA (hydroxyacyl-CoA dehydrogenase trifunctional multienzyme complex subunit alpha; minus strand), GAREM2 (GRB2 associated regulator of MAPK1 subtype 2; plus strand). Cytogenetic location: 2p23.3.
Variant type: single nucleotide variant.
Coding change: c.2146+19G>C on transcript NM_000182.5 (MANE Select); 19 bases into the intron after coding-DNA position 2146, G replaced by C.
Molecular consequence: intron variant.
Genome position (GRCh38, 1-based): chr2:26,191,464, C>G on the plus strand (G>C on the coding strand, the complement: HADHA is on the minus strand). VCF-style: chr2-26191464-C-G. GRCh37 (hg19) VCF-style: chr2-26414333-C-G.
Identifiers: ClinVar variation 2926985 (VCV002926985.3), dbSNP rs778281315, ClinGen allele CA346112321.